The following is an entry in ClinVar:

ClinVar aggregate classification (germline): Uncertain significance (1 of 4 stars; one submission).

Conditions:
Dystonic disorder. Also called: Dystonia. Identifiers: MedGen C0013421, MONDO:0003441, HP:0001332.

gnomAD v4.1: 14 of 1,609,306 alleles (0.00087%); highest among the groups gnomAD compares: Non-Finnish European, 0.001%; no homozygotes.

Submission:

Labcorp Genetics (formerly Invitae), Labcorp
Classification: Uncertain significance for Dystonic disorder. Last evaluated: 2024-04-15. Review status: criteria provided, single submitter. Criteria: Invitae Variant Classification Sherloc (09022015). Collection method: clinical testing. Allele origin: germline.
Comment: This sequence change falls in intron 16 of the ANO3 gene. It does not directly change the encoded amino acid sequence of the ANO3 protein. This variant is present in population databases (no rsID available, gnomAD 0.002%). This variant has not been reported in the literature in individuals affected with ANO3-related conditions. Algorithms developed to predict the effect of sequence changes on RNA splicing suggest that this variant may create or strengthen a splice site. In summary, the available evidence is currently insufficient to determine the role of this variant in disease. Therefore, it has been classified as a Variant of Uncertain Significance.

NM_031418.4(ANO3):c.1671+19T>C

Gene: ANO3 (anoctamin 3; plus strand). Cytogenetic location: 11p14.2.
Variant type: single nucleotide variant.
Coding change: c.1671+19T>C on transcript NM_031418.4 (MANE Select); 19 bases into the intron after coding-DNA position 1671, T replaced by C.
Molecular consequence: intron variant.
Genome position (GRCh38, 1-based): chr11:26,599,017, T>C. VCF-style: chr11-26599017-T-C. GRCh37 (hg19) VCF-style: chr11-26620564-T-C.
Other names: c.1854+19T>C (NM_001313726.2); c.1233+19T>C (NM_001313727.2).
Identifiers: ClinVar variation 3679408 (VCV003679408.2).